The following is an entry in ClinVar:

ClinVar aggregate classification (germline): Uncertain significance. Review status: criteria provided, multiple submitters, no conflicts (2 of 4 stars). 2 submissions from 2 submitters: Uncertain significance (2). Last evaluated 2025-06-18.

Allele frequency attached by ClinVar (database versions not stated): gnomAD exomes 0.00002; TOPMed 0.00002; ExAC 0.00003; gnomAD 0.00004.
gnomAD v4.1: 41 of 1,613,698 alleles (0.0025%); highest among the groups gnomAD compares: Admixed American, 0.018%; no homozygotes.

Submissions (2):

Ambry Genetics
Classification: Uncertain significance. Last evaluated: 2025-06-18. Review status: criteria provided, single submitter. Criteria: Ambry Variant Classification Scheme 2023. Collection method: clinical testing. Allele origin: germline.

Labcorp Genetics (formerly Invitae), Labcorp
Classification: Uncertain significance. Last evaluated: 2021-09-15. Review status: criteria provided, single submitter. Criteria: Invitae Variant Classification Sherloc (09022015). Collection method: clinical testing. Allele origin: germline.
Comment: In summary, the available evidence is currently insufficient to determine the role of this variant in disease. Therefore, it has been classified as a Variant of Uncertain Significance. Algorithms developed to predict the effect of missense changes on protein structure and function output the following: SIFT: "Tolerated"; PolyPhen-2: "Benign"; Align-GVGD: "Class C0". The histidine amino acid residue is found in multiple mammalian species, suggesting that this missense change does not adversely affect protein function. These predictions have not been confirmed by published functional studies and their clinical significance is uncertain. This variant has not been reported in the literature in individuals with ESRRB-related conditions. This variant is present in population databases (rs760608250, ExAC 0.02%). This sequence change replaces tyrosine with histidine at codon 356 of the ESRRB protein (p.Tyr356His). The tyrosine residue is weakly conserved and there is a moderate physicochemical difference between tyrosine and histidine.

NM_001379180.1(ESRRB):c.1129T>C (p.Tyr377His)

Gene: ESRRB (estrogen related receptor beta; plus strand). Cytogenetic location: 14q24.3.
Variant type: single nucleotide variant.
Coding change: c.1129T>C on transcript NM_001379180.1 (MANE Select); coding-DNA position 1129, T replaced by C.
Protein change: p.Tyr377His; replaces tyrosine 377 with histidine.
Molecular consequence: missense variant.
Genome position (GRCh38, 1-based): chr14:76,498,222, T>C. VCF-style: chr14-76498222-T-C. GRCh37 (hg19) VCF-style: chr14-76964565-T-C.
Other names: c.1066T>C, p.Tyr356His (NM_004452.4); c.1066T>C (NM_004452.3); short protein forms Y356H, Y377H.
Identifiers: ClinVar variation 1464147 (VCV001464147.9), dbSNP rs760608250, ClinGen allele CA7281783.